The following is an entry in ClinVar:

ClinVar aggregate classification (germline): Uncertain significance (0 of 4 stars; one submission).

Conditions:
COQ8A-related disorder. Also called: COQ8A-related condition.

Submission:

PreventionGenetics, part of Exact Sciences
Classification: Uncertain significance for COQ8A-related condition. Last evaluated: 2024-05-02. Review status: no assertion criteria provided. Collection method: clinical testing. Allele origin: germline.
Comment: The COQ8A c.1941G>C variant is predicted to result in the amino acid substitution p.Gln647His. To our knowledge, this variant has not been reported in the literature or in a large population database, indicating this variant is rare. At this time, the clinical significance of this variant is uncertain due to the absence of conclusive functional and genetic evidence.

NM_020247.5(COQ8A):c.1941G>C (p.Gln647His)

Gene: COQ8A (coenzyme Q8A; plus strand). Cytogenetic location: 1q42.13.
Variant type: single nucleotide variant.
Coding change: c.1941G>C on transcript NM_020247.5 (MANE Select); coding-DNA position 1941, G replaced by C.
Protein change: p.Gln647His; replaces glutamine 647 with histidine.
Molecular consequence: missense variant.
Genome position (GRCh38, 1-based): chr1:226,986,734, G>C. VCF-style: chr1-226986734-G-C. GRCh37 (hg19) VCF-style: chr1-227174435-G-C.
Other names: short protein forms Q647H.
Identifiers: ClinVar variation 3344235 (VCV003344235.1).